The following is an entry in ClinVar:

NM_000642.3(AGL):c.1661C>T (p.Ala554Val)

Gene: AGL (amylo-alpha-1,6-glucosidase and 4-alpha-glucanotransferase; plus strand). Cytogenetic location: 1p21.2.
Variant type: single nucleotide variant.
Coding change: c.1661C>T on transcript NM_000642.3 (MANE Select); coding-DNA position 1661, C replaced by T.
Protein change: p.Ala554Val; replaces alanine 554 with valine.
Molecular consequence: missense variant.
Genome position (GRCh38, 1-based): chr1:99,879,972, C>T. VCF-style: chr1-99879972-C-T. GRCh37 (hg19) VCF-style: chr1-100345528-C-T.
Other names: c.1661C>T, p.Ala554Val (NM_000028.3, NM_000643.3, NM_000644.3 and 2 more transcripts); c.1613C>T, p.Ala538Val (NM_000646.3); c.1460C>T, p.Ala487Val (NM_001425327.1); c.1457C>T, p.Ala486Val (NM_001425328.1, NM_001425329.1); c.1283C>T, p.Ala428Val (NM_001425332.1); short protein forms A538V, A554V, A428V, A486V, A487V.
Identifiers: ClinVar variation 1018568 (VCV001018568.10), dbSNP rs1651873917, ClinGen allele CA341315567.

ClinVar aggregate classification (germline): Uncertain significance. Review status: criteria provided, single submitter (1 of 4 stars). 2 submissions from 2 submitters: Uncertain significance (1). 1 of the submissions does not count toward it. Last evaluated 2021-08-24.

Conditions:
Glycogen storage disease type III (GSD3). Also called: Cori disease; FORBES DISEASE. Identifiers: Orphanet 366, MedGen C0017922, MONDO:0009291, OMIM 232400.

Allele frequency attached by ClinVar (database versions not stated): gnomAD exomes below 0.00001.
gnomAD v4.1: 1 of 1,613,718 alleles (0.000062%); highest among the groups gnomAD compares: Non-Finnish European, 0.000085%; no homozygotes.

Submissions (2):

Labcorp Genetics (formerly Invitae), Labcorp
Classification: Uncertain significance for Glycogen storage disease type III. Last evaluated: 2021-08-24. Review status: criteria provided, single submitter. Criteria: Invitae Variant Classification Sherloc (09022015). Collection method: clinical testing. Allele origin: germline.
Comment: This sequence change replaces alanine with valine at codon 554 of the AGL protein (p.Ala554Val). The alanine residue is highly conserved and there is a small physicochemical difference between alanine and valine. This variant is not present in population databases (ExAC no frequency). This variant has not been reported in the literature in individuals affected with AGL-related conditions. Algorithms developed to predict the effect of missense changes on protein structure and function are either unavailable or do not agree on the potential impact of this missense change (SIFT: "Deleterious"; PolyPhen-2: "Probably Damaging"; Align-GVGD: "Class C0"). In summary, the available evidence is currently insufficient to determine the role of this variant in disease. Therefore, it has been classified as a Variant of Uncertain Significance.

Natera, Inc.
Classification: Uncertain significance for Glycogen storage disease type III. Last evaluated: 2021-02-23. Review status: no assertion criteria provided. Collection method: clinical testing. Allele origin: germline. Not counted in ClinVar's aggregate classification.